The following is an entry in ClinVar:

ClinVar aggregate classification (germline): Uncertain significance. Review status: criteria provided, multiple submitters, no conflicts (2 of 4 stars). 2 submissions from 2 submitters: Uncertain significance (2). Last evaluated 2025-04-30.

Conditions:
Congenital muscular dystrophy due to integrin alpha-7 deficiency. Also called: Congenital muscular dystrophy with integrin alpha-7 deficiency; Muscular dystrophy, congenital, due to ITGA7 deficiency; MYOPATHY, CONGENITAL, DUE TO INTEGRIN ALPHA-7 DEFICIENCY. Identifiers: Orphanet 34520, MedGen C2750786, MONDO:0013177, OMIM 613204.

Allele frequency attached by ClinVar (database versions not stated): ExAC 0.00001; gnomAD exomes 0.00002; TOPMed 0.00002.
gnomAD v4.1: 18 of 1,613,710 alleles (0.0011%); highest among the groups gnomAD compares: East Asian, 0.013%; no homozygotes.

Submissions (2):

Ambry Genetics
Classification: Uncertain significance. Last evaluated: 2025-04-30. Review status: criteria provided, single submitter. Criteria: Ambry Variant Classification Scheme 2023. Collection method: clinical testing. Allele origin: germline.

Labcorp Genetics (formerly Invitae), Labcorp
Classification: Uncertain significance for Congenital muscular dystrophy due to integrin alpha-7 deficiency. Last evaluated: 2022-08-16. Review status: criteria provided, single submitter. Criteria: Invitae Variant Classification Sherloc (09022015). Collection method: clinical testing. Allele origin: germline.
Comment: This variant is present in population databases (rs753351732, gnomAD 0.02%). This sequence change replaces arginine, which is basic and polar, with glutamine, which is neutral and polar, at codon 952 of the ITGA7 protein (p.Arg952Gln). This variant has not been reported in the literature in individuals affected with ITGA7-related conditions. In summary, the available evidence is currently insufficient to determine the role of this variant in disease. Therefore, it has been classified as a Variant of Uncertain Significance. Algorithms developed to predict the effect of missense changes on protein structure and function output the following: SIFT: "Tolerated"; PolyPhen-2: "Benign"; Align-GVGD: "Class C0". The glutamine amino acid residue is found in multiple mammalian species, which suggests that this missense change does not adversely affect protein function. ClinVar contains an entry for this variant (Variation ID: 470577).

NM_002206.3(ITGA7):c.2855G>A (p.Arg952Gln)

Gene: ITGA7 (integrin subunit alpha 7; minus strand). Cytogenetic location: 12q13.2.
Variant type: single nucleotide variant.
Coding change: c.2855G>A on transcript NM_002206.3 (MANE Select); coding-DNA position 2855, G replaced by A.
Protein change: p.Arg952Gln; replaces arginine 952 with glutamine.
Molecular consequence: missense variant.
Genome position (GRCh38, 1-based): chr12:55,688,947, C>T on the plus strand (G>A on the coding strand, the complement: ITGA7 is on the minus strand). VCF-style: chr12-55688947-C-T. GRCh37 (hg19) VCF-style: chr12-56082731-C-T.
Other names: c.2867G>A, p.Arg956Gln (NM_001144996.2); c.2576G>A, p.Arg859Gln (NM_001144997.2); c.2528G>A, p.Arg843Gln (NM_001367993.1); c.1511G>A, p.Arg504Gln (NM_001367994.1); c.2837G>A, p.Arg946Gln (NM_001374465.1); c.2987G>A, p.Arg996Gln (NM_001410977.1); c.2849G>A, p.Arg950Gln (NM_001414029.1); c.2780G>A, p.Arg927Gln (NM_001414030.1); and 5 more; short protein forms R859Q, R952Q, R504Q, R956Q, R843Q, R946Q, R996Q, R891Q.
Identifiers: ClinVar variation 470577 (VCV000470577.9), dbSNP rs753351732, ClinGen allele CA6615429.